The following is an entry in ClinVar:

NM_001005242.3(PKP2):c.1547G>T (p.Gly516Val)

Gene: PKP2 (plakophilin 2; minus strand). Cytogenetic location: 12p11.21.
Variant type: single nucleotide variant.
Coding change: c.1547G>T on transcript NM_001005242.3 (MANE Select); coding-DNA position 1547, G replaced by T.
Protein change: p.Gly516Val; replaces glycine 516 with valine.
Molecular consequence: missense variant.
Genome position (GRCh38, 1-based): chr12:32,841,037, C>A on the plus strand (G>T on the coding strand, the complement: PKP2 is on the minus strand). VCF-style: chr12-32841037-C-A. GRCh37 (hg19) VCF-style: chr12-32993971-C-A.
Other names: c.1679G>T, p.Gly560Val (NM_004572.4); short protein forms G560V, G516V.
Identifiers: ClinVar variation 920718 (VCV000920718.7), dbSNP rs1402108604, ClinGen allele CA384367215.

ClinVar aggregate classification (germline): Uncertain significance. Review status: criteria provided, multiple submitters, no conflicts (2 of 4 stars). 3 submissions from 3 submitters: Uncertain significance (3). Last evaluated 2025-10-17.

Conditions:
Cardiomyopathy (CMYO). Also called: Cardiomyopathies. Identifiers: Orphanet 167848, MedGen C0878544, MONDO:0004994, HP:0001638. Inheritance: Various modes of inheritance.
Arrhythmogenic right ventricular cardiomyopathy (ARVD). Also called: Arrhythmogenic cardiomyopathy; Cardiomyopathy, ARVC; Arrhythmogenic right ventricular dysplasia; Arrhythmogenic Right Ventricular Cardiomyopathy (ARVC). Identifiers: Orphanet 247, MedGen C0349788, MeSH D019571, MONDO:0016587. Disease mechanism: loss of function. Inheritance: Various modes of inheritance.
Arrhythmogenic right ventricular dysplasia 9 (ARVD9). Also called: Arrhythmogenic Right Ventricular Dysplasia/Cardiomyopathy 9; ARRHYTHMOGENIC RIGHT VENTRICULAR DYSPLASIA, FAMILIAL, 9. Identifiers: MedGen C1836906, MONDO:0012180, OMIM 609040.

Submissions (3):

Labcorp Genetics (formerly Invitae), Labcorp
Classification: Uncertain significance for Arrhythmogenic right ventricular dysplasia 9. Last evaluated: 2025-10-17. Review status: criteria provided, single submitter. Criteria: Invitae Variant Classification Sherloc (09022015). Collection method: clinical testing. Allele origin: germline.
Comment: This sequence change replaces glycine, which is neutral and non-polar, with valine, which is neutral and non-polar, at codon 560 of the PKP2 protein (p.Gly560Val). This variant is not present in population databases (gnomAD no frequency). This variant has not been reported in the literature in individuals affected with PKP2-related conditions. ClinVar contains an entry for this variant (Variation ID: 920718). An algorithm developed to predict the effect of missense changes on protein structure and function (PolyPhen-2) suggests that this variant is likely to be disruptive. In summary, the available evidence is currently insufficient to determine the role of this variant in disease. Therefore, it has been classified as a Variant of Uncertain Significance.

Color Diagnostics, LLC DBA Color Health
Classification: Uncertain significance for Cardiomyopathy. Last evaluated: 2023-12-05. Review status: criteria provided, single submitter. Criteria: ACMG Guidelines, 2015. Collection method: clinical testing. Allele origin: germline.
Comment: Variant of Uncertain Significance due to insufficient evidence: This missense variant is located in the armadillo repeat 4 of the PKP2 protein. Computational prediction tools and conservation analyses are inconclusive regarding the impact of this variant on the protein function. Computational splicing tools suggest that this variant may not impact RNA splicing. To our knowledge, functional assays have not been performed for this variant nor has this variant been reported in individuals affected with cardiovascular disorders in the literature. This variant is rare in the general population and has been identified in 0/277264 chromosomes by the Genome Aggregation Database (gnomAD). Available evidence is insufficient to determine the pathogenicity of this variant conclusively.

All of Us Research Program, National Institutes of Health
Classification: Uncertain significance for Arrhythmogenic right ventricular cardiomyopathy. Last evaluated: 2023-06-28. Review status: criteria provided, single submitter. Criteria: ACMG Guidelines, 2015. Collection method: clinical testing. Allele origin: germline. Inheritance: Autosomal dominant inheritance. Observed: 1 variant allele, 1 heterozygote.
Comment: Variant of Uncertain Significance due to insufficient evidence: This missense variant is located in the armadillo repeat 4 of the PKP2 protein. Computational prediction tools and conservation analyses are inconclusive regarding the impact of this variant on the protein function. Computational splicing tools suggest that this variant may not impact RNA splicing. To our knowledge, functional assays have not been performed for this variant nor has this variant been reported in individuals affected with cardiovascular disorders in the literature. This variant is rare in the general population and has been identified in 0/277264 chromosomes by the Genome Aggregation Database (gnomAD). Available evidence is insufficient to determine the pathogenicity of this variant conclusively.

This study involves interpretation of variants in research participants for the purpose of population health screening. Participant phenotype was not available at the time of variant classification. Additional details can be found in publication PMID: 35346344, PMCID: PMC8962531